The following is an entry in ClinVar:

NM_133433.4(NIPBL):c.5374G>C (p.Ala1792Pro)

Gene: NIPBL (NIPBL cohesin loading factor; plus strand). Cytogenetic location: 5p13.2.
Variant type: single nucleotide variant.
Coding change: c.5374G>C on transcript NM_133433.4 (MANE Select); coding-DNA position 5374, G replaced by C.
Protein change: p.Ala1792Pro; replaces alanine 1792 with proline.
Molecular consequence: missense variant.
Genome position (GRCh38, 1-based): chr5:37,022,096, G>C. VCF-style: chr5-37022096-G-C. GRCh37 (hg19) VCF-style: chr5-37022198-G-C.
Other names: c.5374G>C, p.Ala1792Pro (NM_015384.5); short protein forms A1792P.
Identifiers: ClinVar variation 476592 (VCV000476592.8), dbSNP rs1554025675, ClinGen allele CA359489450.
Genomic context (GRCh38, chr5:37,022,096, plus strand): 5'-ATGTTTGCTTGGCAGATCCTACGAGTTCTTGGTGAAAATGCAATTGCTGTTCGAACAAAA[G>C]CCATGAAGTGTTTGTCTGAGGTTGTTGCTGTAGACCCCAGTATTCTAGCAAGGGTAAAGA-3'
Protein context (NP_597677.2, residues 1782-1802): GENAIAVRTK[Ala1792Pro]MKCLSEVVAV

ClinVar aggregate classification (germline): Likely pathogenic (1 of 4 stars; one submission).

Conditions:
Cornelia de Lange syndrome 1 (CDLS1). Also called: Brachmann de Lange syndrome; TYPUS DEGENERATIVUS AMSTELODAMENSIS; NIPBL-Related Cornelia de Lange Syndrome. Identifiers: Orphanet 199, MedGen C4551851, MONDO:0007387, OMIM 122470.

Submission:

Labcorp Genetics (formerly Invitae), Labcorp
Classification: Likely pathogenic for Cornelia de Lange syndrome 1. Last evaluated: 2017-02-24. Review status: criteria provided, single submitter. Criteria: Invitae Variant Classification Sherloc (09022015). Collection method: clinical testing. Allele origin: germline.
Comment: Algorithms developed to predict the effect of missense changes on protein structure and function do not agree on the potential impact of this missense change (SIFT: "Deleterious"; PolyPhen-2: "Probably Damaging"; Align-GVGD: "Class C0"). In summary, this variant is a rare missense change that is absent from the population and has been observed to be de novo in an affected individual. This evidence indicates that the variant is pathogenic, but additional data is needed to prove that conclusively. Therefore, this variant has been classified as Likely Pathogenic. This variant is not present in population databases (ExAC no frequency) and has not been reported in the literature in individuals with a NIPBL-related disease. However, family studies have indicated that this variant was not present in the parents of an individual with clinical features of Cornelia de Lange syndrome, which suggests that it was de novo in that affected individual (Invitae). This sequence change replaces alanine with proline at codon 1792 of the NIPBL protein (p.Ala1792Pro). The alanine residue is moderately conserved and there is a small physicochemical difference between alanine and proline.